The following is an entry in ClinVar:

NM_000492.4(CFTR):c.1069G>T (p.Ala357Ser)

Gene: CFTR (CF transmembrane conductance regulator; plus strand). Cytogenetic location: 7q31.2.
Variant type: single nucleotide variant.
Coding change: c.1069G>T on transcript NM_000492.4 (MANE Select); coding-DNA position 1069, G replaced by T.
Protein change: p.Ala357Ser; replaces alanine 357 with serine.
Molecular consequence: missense variant.
Genome position (GRCh38, 1-based): chr7:117,540,299, G>T. VCF-style: chr7-117540299-G-T. GRCh37 (hg19) VCF-style: chr7-117180353-G-T.
Other names: short protein forms A357S.
Identifiers: ClinVar variation 5034429 (VCV005034429.1).

ClinVar aggregate classification (germline): Uncertain significance (1 of 4 stars; one submission).

Conditions:
Cystic fibrosis (CF). Also called: MUCOVISCIDOSIS. Identifiers: Orphanet 586, MedGen C0010674, MONDO:0009061, OMIM 219700. Disease mechanism: loss of function.

Submission:

Ambry Genetics
Classification: Uncertain significance for Cystic fibrosis. Last evaluated: 2026-06-21. Review status: criteria provided, single submitter. Criteria: Ambry Variant Classification Scheme 2023. Collection method: clinical testing. Allele origin: germline.
Comment: The p.A357S variant (also known as c.1069G>T), located in coding exon 8 of the CFTR gene, results from a G to T substitution at nucleotide position 1069. The alanine at codon 357 is replaced by serine, an amino acid with similar properties. This amino acid position is conserved. In addition, the in silico prediction for this alteration is inconclusive. Based on the available evidence, the clinical significance of this variant remains unclear.